The following is an entry in ClinVar:

ClinVar aggregate classification (germline): Likely pathogenic (1 of 4 stars; one submission).

Conditions:
Hyperphosphatasemia with bone disease (PDB5). Also called: Osteoectasia familial; Paget disease of bone 5; HYPEROSTOSIS CORTICALIS DEFORMANS JUVENILIS; HYPERPHOSPHATASEMIA, CHRONIC CONGENITAL IDIOPATHIC; HYPERPHOSPHATASIA, FAMILIAL IDIOPATHIC; PAGET DISEASE OF BONE 5, JUVENILE-ONSET. Identifiers: Orphanet 2801, MedGen C0268414, MONDO:0009394, OMIM 239000.

Submission:

First Genomix Gene Laboratory, Genetic Diagnostics Department
Classification: Likely pathogenic for Hyperphosphatasemia with bone disease. Last evaluated: 2025-09-18. Review status: criteria provided, single submitter. Criteria: ACMG Guidelines, 2015. Collection method: clinical testing. Allele origin: germline. Inheritance: Autosomal recessive inheritance. Affected: no. Observed: 1 variant allele.

NM_002546.4(TNFRSF11B):c.246C>G (p.Tyr82Ter)

Gene: TNFRSF11B (TNF receptor superfamily member 11b; minus strand). Cytogenetic location: 8q24.12.
Variant type: single nucleotide variant.
Coding change: c.246C>G on transcript NM_002546.4 (MANE Select); coding-DNA position 246, C replaced by G.
Protein change: p.Tyr82Ter; replaces tyrosine 82 with a stop codon.
Molecular consequence: nonsense.
Genome position (GRCh38, 1-based): chr8:118,933,085, G>C on the plus strand (C>G on the coding strand, the complement: TNFRSF11B is on the minus strand). VCF-style: chr8-118933085-G-C. GRCh37 (hg19) VCF-style: chr8-119945324-G-C.
Other names: short protein forms Y82*.
Identifiers: ClinVar variation 4850333 (VCV004850333.1).